The following is an entry in ClinVar:

ClinVar aggregate classification (germline): Uncertain significance (1 of 4 stars; one submission).

Conditions:
Koolen-de Vries syndrome (KDVS). Identifiers: Orphanet 96169, MedGen C1864871, MONDO:0012496, OMIM 610443.

Submission:

Labcorp Genetics (formerly Invitae), Labcorp
Classification: Uncertain significance for Koolen-de Vries syndrome. Last evaluated: 2024-10-23. Review status: criteria provided, single submitter. Criteria: Invitae Variant Classification Sherloc (09022015). Collection method: clinical testing. Allele origin: germline.
Comment: This sequence change replaces aspartic acid, which is acidic and polar, with glycine, which is neutral and non-polar, at codon 1055 of the KANSL1 protein (p.Asp1055Gly). This variant is not present in population databases (gnomAD no frequency). This variant has not been reported in the literature in individuals affected with KANSL1-related conditions. ClinVar contains an entry for this variant (Variation ID: 2130381). Invitae Evidence Modeling of protein sequence and biophysical properties (such as structural, functional, and spatial information, amino acid conservation, physicochemical variation, residue mobility, and thermodynamic stability) indicates that this missense variant is not expected to disrupt KANSL1 protein function with a negative predictive value of 80%. In summary, the available evidence is currently insufficient to determine the role of this variant in disease. Therefore, it has been classified as a Variant of Uncertain Significance.

NM_015443.4(KANSL1):c.3164A>G (p.Asp1055Gly)

Gene: KANSL1 (KAT8 regulatory NSL complex subunit 1). Cytogenetic location: 17q21.31.
Variant type: single nucleotide variant.
Coding change: c.3164A>G on transcript NM_015443.4 (MANE Select); coding-DNA position 3164, A replaced by G.
Protein change: p.Asp1055Gly; replaces aspartic acid 1055 with glycine.
Molecular consequence: missense variant.
Genome position (GRCh38, 1-based): chr17:46,031,630, T>C on the plus strand (A>G on the coding strand, the complement: KANSL1 is on the minus strand). VCF-style: chr17-46031630-T-C. GRCh37 (hg19) VCF-style: chr17-44108996-T-C.
Other names: c.3161A>G, p.Asp1054Gly (NM_001193465.2, NM_001405856.1, NM_001405857.1 and 1 more transcripts); c.3164A>G, p.Asp1055Gly (NM_001193466.2, NM_001379198.1, NM_001405854.1 and 1 more transcripts); c.3062A>G, p.Asp1021Gly (NM_001405859.1, NM_001405860.1); c.3059A>G, p.Asp1020Gly (NM_001405861.1); c.3032A>G, p.Asp1011Gly (NM_001405872.1, NM_001405873.1, NM_001405874.1); c.2975A>G, p.Asp992Gly (NM_001405875.1, NM_001405876.1, NM_001405877.1 and 1 more transcripts); c.2972A>G, p.Asp991Gly (NM_001405879.1, NM_001405880.1); c.2927A>G, p.Asp976Gly (NM_001405881.1); and 4 more; short protein forms D1021G, D1055G, D570G, D632G, D991G, D1020G, D569G, D1011G.
Identifiers: ClinVar variation 2130381 (VCV002130381.4), dbSNP rs2510354680, ClinGen allele CA399986034.
Genomic context (GRCh38, chr17:46,031,630, plus strand): 5'-TCCCGGCCAGTCTTGCTGCCTGAGGTGCGTCGAGTGCAGCGGGCTGCTCGCTCCTGTGCA[T>C]CCAGCTGGTCCTCACACTCCGCCTGGGGACTGTGCGCCAGGGGGAAGGTCCGCCGCTCCC-3'
Protein context (NP_056258.1, residues 1045-1065): SPQAECEDQL[Asp1055Gly]AQERAARCTR